The following is an entry in ClinVar:

ClinVar aggregate classification (germline): Likely benign (0 of 4 stars; one submission).

Conditions:
LAMB1-related disorder. Also called: LAMB1-related condition.

Allele frequency attached by ClinVar (database versions not stated): gnomAD 0.00001; gnomAD exomes 0.00001; TOPMed 0.00002.
gnomAD v4.1: 4 of 1,596,718 alleles (0.00025%); highest among the groups gnomAD compares: East Asian, 0.0045%; no homozygotes.

Submission:

PreventionGenetics, part of Exact Sciences
Classification: Likely benign for LAMB1-related condition. Last evaluated: 2021-08-04. Review status: no assertion criteria provided. Collection method: clinical testing. Allele origin: germline.
Comment: This variant is classified as likely benign based on ACMG/AMP sequence variant interpretation guidelines (Richards et al. 2015 PMID: 25741868, with internal and published modifications).

NM_002291.3(LAMB1):c.1699-5C>T

Gene: LAMB1 (laminin subunit beta 1; minus strand). Cytogenetic location: 7q31.1.
Variant type: single nucleotide variant.
Coding change: c.1699-5C>T on transcript NM_002291.3 (MANE Select); 5 bases into the intron before coding-DNA position 1699, C replaced by T.
Molecular consequence: intron variant.
Genome position (GRCh38, 1-based): chr7:107,963,068, G>A on the plus strand (C>T on the coding strand, the complement: LAMB1 is on the minus strand). VCF-style: chr7-107963068-G-A. GRCh37 (hg19) VCF-style: chr7-107603513-G-A.
Identifiers: ClinVar variation 3059967 (VCV003059967.2), dbSNP rs1401811820, ClinGen allele CA831214760.